The following is an entry in ClinVar:

NM_000038.6(APC):c.1264G>T (p.Glu422Ter)

Gene: APC (APC regulator of Wnt signaling pathway; plus strand). Cytogenetic location: 5q22.2.
Variant type: single nucleotide variant.
Coding change: c.1264G>T on transcript NM_000038.6 (MANE Select); coding-DNA position 1264, G replaced by T.
Protein change: p.Glu422Ter; replaces glutamic acid 422 with a stop codon.
Molecular consequence: nonsense. On other transcripts: non-coding transcript variant (2).
Genome position (GRCh38, 1-based): chr5:112,819,296, G>T. VCF-style: chr5-112819296-G-T. GRCh37 (hg19) VCF-style: chr5-112154993-G-T.
Other names: c.1264G>T, p.Glu422Ter (NM_001127510.3, NM_001354895.2, NM_001354896.2 and 4 more transcripts); c.1210G>T, p.Glu404Ter (NM_001127511.3); c.1294G>T, p.Glu432Ter (NM_001354897.2, NM_001407446.1); c.1189G>T, p.Glu397Ter (NM_001354898.2, NM_001407451.1); c.1180G>T, p.Glu394Ter (NM_001354899.2, NM_001407452.1); c.1087G>T, p.Glu363Ter (NM_001354900.2, NM_001354901.2, NM_001407453.1); c.991G>T, p.Glu331Ter (NM_001354902.2); c.961G>T, p.Glu321Ter (NM_001354903.2, NM_001407454.1, NM_001407455.1 and 5 more transcripts); and 5 more; short protein forms E262*, E296*, E321*, E38*, E394*, E293*, E331*, E397*.
Identifiers: ClinVar variation 2734757 (VCV002734757.3), dbSNP rs755069015, ClinGen allele CA16024070.

ClinVar aggregate classification (germline): Pathogenic (1 of 4 stars; one submission).

Conditions:
Familial adenomatous polyposis 1 (FAP1). Also called: POLYPOSIS, ADENOMATOUS INTESTINAL; FAMILIAL ADENOMATOUS POLYPOSIS 1, ATTENUATED. Identifiers: MedGen C2713442, MONDO:0021056, OMIM 175100. Disease mechanism: loss of function.

Submission:

Labcorp Genetics (formerly Invitae), Labcorp
Classification: Pathogenic for Familial adenomatous polyposis 1. Last evaluated: 2022-11-09. Review status: criteria provided, single submitter. Criteria: Invitae Variant Classification Sherloc (09022015). Collection method: clinical testing. Allele origin: germline.
Comment: This premature translational stop signal has been observed in individual(s) with APC-related conditions (PMID: 8381580). This variant is not present in population databases (gnomAD no frequency). This sequence change creates a premature translational stop signal (p.Glu422*) in the APC gene. It is expected to result in an absent or disrupted protein product. Loss-of-function variants in APC are known to be pathogenic (PMID: 17963004, 20685668). For these reasons, this variant has been classified as Pathogenic.

Literature cited by the submitters: PubMed 8381580; PubMed 17963004; PubMed 20685668.